The following is an entry in ClinVar:

ClinVar aggregate classification (germline): Likely benign. Review status: criteria provided, multiple submitters, no conflicts (2 of 4 stars). 3 submissions from 3 submitters: Likely benign (3). Last evaluated 2026-09-01.

Conditions:
Early-infantile DEE. Also called: Early infantile epileptic encephalopathy; Early infantile epileptic encephalopathy with suppression bursts; Ohtahara syndrome. Identifiers: Orphanet 1934, MedGen C0393706, MONDO:0800491.

Allele frequency attached by ClinVar (database versions not stated): ExAC 0.00002; gnomAD exomes 0.00002 and 0.00003; gnomAD 0.00005; TOPMed 0.00006; ESP Exome Variant Server 0.00008.
gnomAD v4.1: 38 of 1,613,646 alleles (0.0024%); highest among the groups gnomAD compares: African/African-American, 0.012%; no homozygotes.

Submissions (3):

CeGaT Center for Human Genetics Tuebingen
Classification: Likely benign. Last evaluated: 2026-09-01. Review status: criteria provided, single submitter. Criteria: CeGaT Center For Human Genetics Tuebingen Variant Classification Criteria Version 2. Collection method: clinical testing. Allele origin: germline. Affected: yes. Observed: 3 variant alleles.
Comment: SCN1A: BP4, BP7

Labcorp Genetics (formerly Invitae), Labcorp
Classification: Likely benign for Early-infantile DEE. Last evaluated: 2025-09-23. Review status: criteria provided, single submitter. Criteria: Invitae Variant Classification Sherloc (09022015). Collection method: clinical testing. Allele origin: germline.

GeneDx
Classification: Likely benign. Last evaluated: 2017-09-01. Review status: criteria provided, single submitter. Criteria: GeneDx Variant Classification (06012015). Collection method: clinical testing. Allele origin: germline. Affected: yes.
Comment: This variant is considered likely benign or benign based on one or more of the following criteria: it is a conservative change, it occurs at a poorly conserved position in the protein, it is predicted to be benign by multiple in silico algorithms, and/or has population frequency not consistent with disease.

NM_001165963.4(SCN1A):c.2094C>T (p.His698=)

Gene: SCN1A (sodium voltage-gated channel alpha subunit 1; minus strand). Cytogenetic location: 2q24.3.
Variant type: single nucleotide variant.
Coding change: c.2094C>T on transcript NM_001165963.4 (MANE Select); coding-DNA position 2094, C replaced by T.
Protein change: p.His698=; no amino-acid change (histidine 698 retained).
Molecular consequence: synonymous variant. On other transcripts: 5 prime UTR variant (1), non-coding transcript variant (1).
Genome position (GRCh38, 1-based): chr2:166,042,374, G>A on the plus strand (C>T on the coding strand, the complement: SCN1A is on the minus strand). VCF-style: chr2-166042374-G-A. GRCh37 (hg19) VCF-style: chr2-166898884-G-A.
Other names: c.2010C>T, p.His670= (NM_001165964.3, NM_001353957.2, NM_001353958.2); c.2094C>T, p.His698= (NM_001202435.3, NM_001353948.2); c.2061C>T, p.His687= (NM_001353949.2, NM_001353950.2, NM_001353951.2 and 2 more transcripts); c.2058C>T, p.His686= (NM_001353954.2, NM_001353955.2); c.2007C>T, p.His669= (NM_001353960.2); c.-365C>T (NM_001353961.2).
Identifiers: ClinVar variation 511919 (VCV000511919.44), dbSNP rs372260058, ClinGen allele CA1943190.
Genomic context (GRCh38, chr2:166,042,374, plus strand): 5'-GCTGGCTATACTCATTGCTCGTTGCCTTTGGGAAGGATCTTCTAGAAAGTCCATGGAAAC[G>A]TGGAAAGAACTTGACCTTCTCTTTCTCATTTCAGTTTCAGTGGTTGTTCCCTGTAAAAAA-3'
Protein context (NP_001159435.1, residues 688-708): EMRKRRSSSF[His698=]VSMDFLEDPS